The following is an entry in ClinVar:

ClinVar aggregate classification (germline): Benign/Likely benign. Review status: criteria provided, multiple submitters, no conflicts (2 of 4 stars). 3 submissions from 3 submitters: Benign (1); Likely benign (2). Last evaluated 2026-01-04.

Conditions:
Hereditary cancer-predisposing syndrome. Also called: Tumor predisposition; Neoplastic Syndromes, Hereditary; Hereditary Cancer Syndrome; Hereditary neoplastic syndrome. Identifiers: Orphanet 140162, MedGen C0027672, MeSH D009386, MONDO:0015356.
Familial cancer of breast. Also called: BREAST CANCER, FAMILIAL; hereditary breast carcinoma; Hereditary breast cancer. Identifiers: Orphanet 227535, MedGen C0346153, MONDO:0016419, OMIM 114480. Disease mechanism: loss of function.
Ataxia-telangiectasia syndrome (AT). Also called: ATAXIA-TELANGIECTASIA, COMPLEMENTATION GROUP A; ATAXIA-TELANGIECTASIA, FRESNO VARIANT; Ataxia-telangiectasia; Ataxia telangiectasia (A-T); LOUIS-BAR SYNDROME; Ataxia-telangiectasia, complementation group D. Identifiers: Orphanet 100, MedGen C0004135, MONDO:0008840, OMIM 208900.

Allele frequency attached by ClinVar (database versions not stated): gnomAD exomes below 0.00001; ExAC 0.00001.

Submissions (3):

Labcorp Genetics (formerly Invitae), Labcorp
Classification: Likely benign for Ataxia-telangiectasia syndrome. Last evaluated: 2026-01-04. Review status: criteria provided, single submitter. Criteria: Invitae Variant Classification Sherloc (09022015). Collection method: clinical testing. Allele origin: germline.

Ambry Genetics
Classification: Likely benign for Hereditary cancer-predisposing syndrome. Last evaluated: 2025-09-25. Review status: criteria provided, single submitter. Criteria: Ambry Variant Classification Scheme 2023. Collection method: clinical testing. Allele origin: germline.

Myriad Genetics, Inc.
Classification: Benign for Familial cancer of breast. Last evaluated: 2024-04-29. Review status: criteria provided, single submitter. Criteria: Myriad Autosomal Dominant, Autosomal Recessive and X-Linked Classification Criteria (2023). Collection method: clinical testing. Allele origin: unknown.
Comment: This variant is considered benign. This variant is a silent/synonymous amino acid change and it is not expected to impact splicing.

NM_000051.4(ATM):c.1383A>G (p.Glu461=)

Gene: ATM (ATM serine/threonine kinase; plus strand). Cytogenetic location: 11q22.3.
Variant type: single nucleotide variant.
Coding change: c.1383A>G on transcript NM_000051.4 (MANE Select); coding-DNA position 1383, A replaced by G.
Protein change: p.Glu461=; no amino-acid change (glutamic acid 461 retained).
Molecular consequence: synonymous variant.
Genome position (GRCh38, 1-based): chr11:108,250,848, A>G. VCF-style: chr11-108250848-A-G. GRCh37 (hg19) VCF-style: chr11-108121575-A-G.
Other names: c.1383A>G (NM_000051.3); c.1383A>G, p.Glu461= (NM_001351834.2).
Identifiers: ClinVar variation 1096110 (VCV001096110.11), dbSNP rs748493136, ClinGen allele CA6264812.
Genomic context (GRCh38, chr11:108,250,848, plus strand): 5'-GCTTCTACCCCAACAGCGACATGGGGAACGTACACCATATGTGTTACGATGCCTTACGGA[A>G]GTTGCATTGTGTCAAGACAAGAGGTCAAACCTAGAAAGCTCACAAAAGTCAGATTTATTA-3'
Protein context (NP_000042.3, residues 451-471): RTPYVLRCLT[Glu461=]VALCQDKRSN